The following is an entry in ClinVar:

NM_006258.4(PRKG1):c.1102G>A (p.Ala368Thr)

Gene: PRKG1 (protein kinase cGMP-dependent 1; plus strand). Cytogenetic location: 10q21.1.
Variant type: single nucleotide variant.
Coding change: c.1102G>A on transcript NM_006258.4 (MANE Select); coding-DNA position 1102, G replaced by A.
Protein change: p.Ala368Thr; replaces alanine 368 with threonine.
Molecular consequence: missense variant. On other transcripts: 5 prime UTR variant (1).
Genome position (GRCh38, 1-based): chr10:52,251,595, G>A. VCF-style: chr10-52251595-G-A. GRCh37 (hg19) VCF-style: chr10-54011355-G-A.
Other names: c.1057G>A, p.Ala353Thr (NM_001098512.3); c.-108G>A (NM_001374781.1); short protein forms A353T, A368T.
Identifiers: ClinVar variation 854114 (VCV000854114.12), dbSNP rs755634503, ClinGen allele CA5503763.

ClinVar aggregate classification (germline): Uncertain significance. Review status: criteria provided, multiple submitters, no conflicts (2 of 4 stars). 3 submissions from 3 submitters: Uncertain significance (3). Last evaluated 2025-10-23.

Conditions:
Familial thoracic aortic aneurysm and aortic dissection (TAAD). Also called: Thoracic aortic aneurysms and dissections. Identifiers: Orphanet 91387, MedGen C4707243, MONDO:0019625.
Aortic aneurysm, familial thoracic 8 (AAT8). Identifiers: MedGen C3809513, MONDO:0014187, OMIM 615436.

Allele frequency attached by ClinVar (database versions not stated): gnomAD exomes 0.00001 and 0.00005; ExAC 0.00002; gnomAD 0.00003; TOPMed 0.00003.
gnomAD v4.1: 72 of 1,613,306 alleles (0.0045%); highest among the groups gnomAD compares: Non-Finnish European, 0.0058%; no homozygotes.

Submissions (3):

Ambry Genetics
Classification: Uncertain significance for Familial thoracic aortic aneurysm and aortic dissection. Last evaluated: 2025-10-23. Review status: criteria provided, single submitter. Criteria: Ambry Variant Classification Scheme 2023. Collection method: clinical testing. Allele origin: germline.
Comment: The p.A368T variant (also known as c.1102G>A), located in coding exon 10 of the PRKG1 gene, results from a G to A substitution at nucleotide position 1102. The alanine at codon 368 is replaced by threonine, an amino acid with similar properties. This amino acid position is conserved. In addition, this alteration is predicted to be tolerated by in silico analysis. Based on the available evidence, the clinical significance of this variant remains unclear.

Labcorp Genetics (formerly Invitae), Labcorp
Classification: Uncertain significance for Aortic aneurysm, familial thoracic 8. Last evaluated: 2025-06-22. Review status: criteria provided, single submitter. Criteria: Invitae Variant Classification Sherloc (09022015). Collection method: clinical testing. Allele origin: germline.
Comment: This sequence change replaces alanine, which is neutral and non-polar, with threonine, which is neutral and polar, at codon 368 of the PRKG1 protein (p.Ala368Thr). This variant is present in population databases (rs755634503, gnomAD 0.002%). This variant has not been reported in the literature in individuals affected with PRKG1-related conditions. ClinVar contains an entry for this variant (Variation ID: 854114). An algorithm developed to predict the effect of missense changes on protein structure and function (PolyPhen-2) suggests that this variant is likely to be tolerated. In summary, the available evidence is currently insufficient to determine the role of this variant in disease. Therefore, it has been classified as a Variant of Uncertain Significance.

GeneDx
Classification: Uncertain significance. Last evaluated: 2023-08-02. Review status: criteria provided, single submitter. Criteria: GeneDx Variant Classification Process June 2021. Collection method: clinical testing. Allele origin: germline. Affected: yes.
Comment: Has not been previously published as pathogenic or benign to our knowledge; In silico analysis supports that this missense variant does not alter protein structure/function; Not observed at significant frequency in large population cohorts (gnomAD)